The following is an entry in ClinVar:

ClinVar aggregate classification (germline): Conflicting classifications of pathogenicity. Review status: criteria provided, conflicting classifications (1 of 4 stars). 12 submissions from 12 submitters: Uncertain significance (10); Likely benign (1). 1 of the submissions does not count toward it. Last evaluated 2026-01-24.

Conditions:
APC-related disorder. Also called: APC-related condition.
Classic or attenuated familial adenomatous polyposis. Identifiers: MedGen CN372698, MONDO:0021057.
Hereditary cancer-predisposing syndrome. Also called: Tumor predisposition; Neoplastic Syndromes, Hereditary; Hereditary neoplastic syndrome; Hereditary Cancer Syndrome. Identifiers: Orphanet 140162, MedGen C0027672, MeSH D009386, MONDO:0015356.
Familial adenomatous polyposis 1 (FAP1). Also called: FAMILIAL ADENOMATOUS POLYPOSIS 1, ATTENUATED; POLYPOSIS, ADENOMATOUS INTESTINAL. Identifiers: MedGen C2713442, MONDO:0021056, OMIM 175100. Disease mechanism: loss of function.

Allele frequency attached by ClinVar (database versions not stated): gnomAD exomes 0.00001; TOPMed 0.00001.
gnomAD v4.1: 13 of 1,613,726 alleles (0.00081%); highest among the groups gnomAD compares: Non-Finnish European, 0.001%; no homozygotes.

Submissions (12):

PreventionGenetics, part of Exact Sciences
Classification: Uncertain significance for APC-related condition. Last evaluated: 2026-01-24. Review status: criteria provided, single submitter. Criteria: ACMG Guidelines, 2015. Collection method: clinical testing. Allele origin: germline.
Comment: The APC c.7858T>A variant is predicted to result in the amino acid substitution p.Phe2620Ile. This variant has been reported in an individual with a personal and/or family history of breast and/or ovarian cancer (Table S4, Maxwell et al. 2016. PubMed ID: 27153395). This variant has not been reported in a large population database (gnomAD), indicating this variant is rare. This variant has interpretations in ClinVar ranging from uncertain to likely benign (Variation ID: 141524). At this time, the clinical significance of this variant is uncertain due to the absence of conclusive functional and genetic evidence.

Labcorp Genetics (formerly Invitae), Labcorp
Classification: Uncertain significance for Familial adenomatous polyposis 1. Last evaluated: 2026-01-20. Review status: criteria provided, single submitter. Criteria: Invitae Variant Classification Sherloc (09022015). Collection method: clinical testing. Allele origin: germline.
Comment: This sequence change replaces phenylalanine, which is neutral and non-polar, with isoleucine, which is neutral and non-polar, at codon 2620 of the APC protein (p.Phe2620Ile). This variant is not present in population databases (gnomAD no frequency). This variant has not been reported in the literature in individuals affected with APC-related conditions. ClinVar contains an entry for this variant (Variation ID: 141524). Invitae Evidence Modeling of protein sequence and biophysical properties (such as structural, functional, and spatial information, amino acid conservation, physicochemical variation, residue mobility, and thermodynamic stability) indicates that this missense variant is not expected to disrupt APC protein function with a negative predictive value of 95%. In summary, the available evidence is currently insufficient to determine the role of this variant in disease. Therefore, it has been classified as a Variant of Uncertain Significance.

Quest Diagnostics Nichols Institute San Juan Capistrano
Classification: Uncertain significance. Last evaluated: 2024-09-20. Review status: criteria provided, single submitter. Criteria: Quest Diagnostics criteria. Collection method: clinical testing. Allele origin: unknown.
Comment: The APC c.7858T>A (p.Phe2620Ile) variant has not been reported in individuals with APC-related conditions in the published literature. It also has not been reported in large, multi-ethnic general populations (Genome Aggregation Database). Analysis of this variant using bioinformatics tools for the prediction of the effect of amino acid changes on protein structure and function yielded predictions that this variant is benign. Based on the available information, we are unable to determine the clinical significance of this variant.

All of Us Research Program, National Institutes of Health
Classification: Uncertain significance for Classic or attenuated familial adenomatous polyposis. Last evaluated: 2024-05-24. Review status: criteria provided, single submitter. Criteria: ACMG Guidelines, 2015. Collection method: clinical testing. Allele origin: germline. Inheritance: Autosomal dominant inheritance. Observed: 6 variant alleles, 6 heterozygotes.
Comment: This missense variant replaces phenylalanine with isoleucine at codon 2620 of the APC protein in the EB1-binding domain. Computational prediction suggests that this variant may not impact protein structure and function (internally defined REVEL score threshold <= 0.5, PMID: 27666373). To our knowledge, functional studies have not been reported for this variant. This variant has been reported in individuals affected with hereditary breast/ovarian cancer (PMID: 27153395) but has not been identified in individuals affected with familial adenomatous polyposis. This variant has not been identified in the general population by the Genome Aggregation Database (gnomAD). The available evidence is insufficient to determine the role of this variant in disease conclusively. Therefore, this variant is classified as a Variant of Uncertain Significance.

This study involves interpretation of variants in research participants for the purpose of population health screening. Participant phenotype was not available at the time of variant classification. Additional details can be found in publication PMID: 35346344, PMCID: PMC8962531

Color Diagnostics, LLC DBA Color Health
Classification: Uncertain significance for Hereditary cancer-predisposing syndrome. Last evaluated: 2024-04-04. Review status: criteria provided, single submitter. Criteria: ACMG Guidelines, 2015. Collection method: clinical testing. Allele origin: germline.
Comment: This missense variant replaces phenylalanine with isoleucine at codon 2620 of the APC protein in the EB1-binding domain. Computational prediction suggests that this variant may not impact protein structure and function. To our knowledge, functional studies have not been reported for this variant. This variant has been reported in individuals affected with hereditary breast/ovarian cancer (PMID: 27153395) but has not been identified in individuals affected with familial adenomatous polyposis. This variant has not been identified in the general population by the Genome Aggregation Database (gnomAD). The available evidence is insufficient to determine the role of this variant in disease conclusively. Therefore, this variant is classified as a Variant of Uncertain Significance.

Baylor Genetics
Classification: Uncertain significance for Familial adenomatous polyposis 1. Last evaluated: 2023-07-11. Review status: criteria provided, single submitter. Criteria: ACMG Guidelines, 2015. Collection method: clinical testing. Allele origin: unknown.

Myriad Genetics, Inc.
Classification: Uncertain significance for Familial adenomatous polyposis 1. Last evaluated: 2023-02-17. Review status: criteria provided, single submitter. Criteria: Myriad Autosomal Dominant, Autosomal Recessive and X-Linked Classification Criteria (2023). Collection method: clinical testing. Allele origin: unknown.
Comment: This variant is classified as a variant of uncertain significance as there is insufficient evidence to determine its impact on protein function and/or cancer risk.

Women's Health and Genetics/Laboratory Corporation of America, LabCorp
Classification: Uncertain significance. Last evaluated: 2021-11-30. Review status: criteria provided, single submitter. Criteria: LabCorp Variant Classification Summary - May 2015. Collection method: clinical testing. Allele origin: germline.
Comment: Variant summary: APC c.7858T>A (p.Phe2620Ile) results in a non-conservative amino acid change in the encoded protein sequence. This variant is also known as c.7804T>A (p.Phe2440Ile) in HGVS. Three of four in-silico tools predict a benign effect of the variant on protein function. The variant was absent in 249960 control chromosomes (gnomAD). The available data on variant occurrences in the general population are insufficient to allow any conclusion about variant significance. To our knowledge, no occurrence of c.7858T>A in individuals affected with Familial Adenomatous Polyposis and no experimental evidence demonstrating its impact on protein function have been reported. Seven clinical diagnostic laboratories have submitted clinical-significance assessments for this variant to ClinVar after 2014 and classified the variant VUS (n=6) and likely benign (n=1). Based on the evidence outlined above, the variant was classified as uncertain significance.

Institute for Clinical Genetics, University Hospital TU Dresden, University Hospital TU Dresden
Classification: Uncertain significance. Last evaluated: 2021-11-03. Review status: criteria provided, single submitter. Criteria: ACMG Guidelines, 2015. Collection method: clinical testing. Allele origin: germline.

GeneDx
Classification: Uncertain significance. Last evaluated: 2020-10-09. Review status: criteria provided, single submitter. Criteria: GeneDx Variant Classification Process June 2021. Collection method: clinical testing. Allele origin: germline. Affected: yes.
Comment: Not observed in large population cohorts (Lek 2016); In silico analysis supports that this missense variant does not alter protein structure/function; Observed in individuals with personal and family history of breast or ovarian cancer (Maxwell 2016); This variant is associated with the following publications: (PMID: 31612017, 27153395)

Ambry Genetics
Classification: Likely benign for Hereditary cancer-predisposing syndrome. Last evaluated: 2019-03-06. Review status: criteria provided, single submitter. Criteria: Ambry Variant Classification Scheme 2023. Collection method: clinical testing. Allele origin: germline.

Counsyl
Classification: Uncertain significance for Familial adenomatous polyposis 1. Last evaluated: 2016-02-18. Review status: no assertion criteria provided. Collection method: clinical testing. Allele origin: unknown. Not counted in ClinVar's aggregate classification.

Literature cited by the submitters: PubMed 27153395 (cited by All of Us Research Program, National Institutes of Health and Color Diagnostics, LLC DBA Color Health).

NM_000038.6(APC):c.7858T>A (p.Phe2620Ile)

Gene: APC (APC regulator of Wnt signaling pathway; plus strand). Cytogenetic location: 5q22.2.
Variant type: single nucleotide variant.
Coding change: c.7858T>A on transcript NM_000038.6 (MANE Select); coding-DNA position 7858, T replaced by A.
Protein change: p.Phe2620Ile; replaces phenylalanine 2620 with isoleucine.
Molecular consequence: missense variant.
Genome position (GRCh38, 1-based): chr5:112,843,452, T>A. VCF-style: chr5-112843452-T-A. GRCh37 (hg19) VCF-style: chr5-112179149-T-A.
Other names: c.7858T>A, p.Phe2620Ile (NM_001127510.3, NM_001354895.2); c.7804T>A, p.Phe2602Ile (NM_001127511.3); c.7912T>A, p.Phe2638Ile (NM_001354896.2); c.7888T>A, p.Phe2630Ile (NM_001354897.2); c.7783T>A, p.Phe2595Ile (NM_001354898.2); c.7774T>A, p.Phe2592Ile (NM_001354899.2); c.7735T>A, p.Phe2579Ile (NM_001354900.2); c.7681T>A, p.Phe2561Ile (NM_001354901.2); and 5 more; short protein forms F2602I, F2620I, F2494I, F2519I, F2529I, F2561I, F2337I, F2638I.
Identifiers: ClinVar variation 141524 (VCV000141524.64), dbSNP rs587781816, ClinGen allele CA014111.